The following is an entry in ClinVar:

NM_001127898.4(CLCN5):c.1422G>A (p.Glu474=)

Gene: CLCN5 (Cl-/H+ antiporter 5; plus strand). Cytogenetic location: Xp11.23.
Variant type: single nucleotide variant.
Coding change: c.1422G>A on transcript NM_001127898.4 (MANE Select); coding-DNA position 1422, G replaced by A.
Protein change: p.Glu474=; no amino-acid change (glutamic acid 474 retained).
Molecular consequence: synonymous variant.
Genome position (GRCh38, 1-based): chrX:50,086,735, G>A. VCF-style: chrX-50086735-G-A. GRCh37 (hg19) VCF-style: chrX-49851392-G-A.
Other names: c.1212G>A, p.Glu404= (NM_000084.5); c.1422G>A, p.Glu474= (NM_001127899.4); c.1272G>A, p.Glu424= (NM_001282163.2).
Identifiers: ClinVar variation 368482 (VCV000368482.19), dbSNP rs199594074, ClinGen allele CA10413873.

ClinVar aggregate classification (germline): Benign/Likely benign. Review status: criteria provided, multiple submitters, no conflicts (2 of 4 stars). 6 submissions from 6 submitters: Benign (2); Likely benign (4). Last evaluated 2026-08-13.

Conditions:
Hypophosphatemic rickets, X-linked recessive (XLHRR). Identifiers: Orphanet 1652, Orphanet 93622, MedGen C1845168, MONDO:0010358, OMIM 300554.
Dent disease type 1 (DENT1). Also called: NEPHROLITHIASIS 2; NEPHROLITHIASIS, HYPERCALCIURIC, X-LINKED. Identifiers: Orphanet 1652, Orphanet 93622, MedGen C1848336, MONDO:0010225, OMIM 300009.
X-linked recessive nephrolithiasis with renal failure (XRN). Also called: NEPHROLITHIASIS 1; NEPHROLITHIASIS, X-LINKED RECESSIVE, TYPE 1; UROLITHIASIS, X-LINKED RECESSIVE, TYPE 1. Identifiers: Orphanet 1652, Orphanet 93622, MedGen C0403720, MONDO:0010687, OMIM 310468.
Proteinuria, low molecular weight, with hypercalciuria and nephrocalcinosis. Identifiers: Orphanet 1652, Orphanet 93622, MedGen C1839874, MONDO:0010644, OMIM 308990.
CLCN5-related disorder. Also called: CLCN5-related condition.

Allele frequency attached by ClinVar (database versions not stated): gnomAD 0.00015 and 0.00025; TOPMed 0.00040; ExAC 0.00066; gnomAD exomes 0.00070; 1000 Genomes Project 30x 0.00104; 1000 Genomes Project 0.00132.
gnomAD v4.1: 263 of 1,208,982 alleles (0.022%); highest among the groups gnomAD compares: East Asian, 0.54%; no homozygotes.

Submissions (6):

PreventionGenetics, part of Exact Sciences
Classification: Likely benign for CLCN5-related condition. Last evaluated: 2026-08-13. Review status: criteria provided, single submitter. Criteria: ACMG Guidelines, 2015. Collection method: clinical testing. Allele origin: germline.
Comment: This variant is classified as likely benign based on ACMG/AMP sequence variant interpretation guidelines (Richards et al. 2015 PMID: 25741868, with internal and published modifications).

Labcorp Genetics (formerly Invitae), Labcorp
Classification: Benign. Last evaluated: 2026-01-26. Review status: criteria provided, single submitter. Criteria: Invitae Variant Classification Sherloc (09022015). Collection method: clinical testing. Allele origin: germline.

Blueprint Genetics
Classification: Likely benign. Last evaluated: 2024-10-28. Review status: criteria provided, single submitter. Criteria: ACMG Guidelines, 2015. Collection method: clinical testing. Allele origin: germline.

Fulgent Genetics
Classification: Likely benign for Dent disease type 1; Hypophosphatemic rickets, X-linked recessive; Proteinuria, low molecular weight, with hypercalciuria and nephrocalcinosis; X-linked recessive nephrolithiasis with renal failure. Last evaluated: 2021-10-20. Review status: criteria provided, single submitter. Criteria: ACMG Guidelines, 2015. Collection method: clinical testing. Allele origin: unknown.

GeneDx
Classification: Likely benign. Last evaluated: 2020-11-21. Review status: criteria provided, single submitter. Criteria: GeneDx Variant Classification Process June 2021. Collection method: clinical testing. Allele origin: germline. Affected: yes.

Illumina Laboratory Services, Illumina
Classification: Benign for Dent disease type 1. Last evaluated: 2018-01-13. Review status: criteria provided, single submitter. Criteria: ICSL Variant Classification Criteria 13 December 2019. Collection method: clinical testing. Allele origin: germline.
Comment: This variant was observed in the ICSL laboratory as part of a predisposition screen in an ostensibly healthy population. It had not been previously curated by ICSL or reported in the Human Gene Mutation Database (HGMD: prior to June 1st, 2018), and was therefore a candidate for classification through an automated scoring system. Utilizing variant allele frequency, disease prevalence and penetrance estimates, and inheritance mode, an automated score was calculated to assess if this variant is too frequent to cause the disease. Based on the score and internal cut-off values, a variant classified as benign is not then subjected to further curation. The score for this variant resulted in a classification of benign for this disease.